The following is an entry in ClinVar:

ClinVar aggregate classification (germline): Uncertain significance (1 of 4 stars; one submission).

Conditions:
Cardiovascular phenotype. Identifiers: MedGen CN230736.

gnomAD v4.1: 3 of 1,614,168 alleles (0.00019%); highest among the groups gnomAD compares: South Asian, 0.0011%; no homozygotes.

Submission:

Ambry Genetics
Classification: Uncertain significance for Cardiovascular phenotype. Last evaluated: 2025-07-21. Review status: criteria provided, single submitter. Criteria: Ambry Variant Classification Scheme 2023. Collection method: clinical testing. Allele origin: germline.
Comment: The p.G336D variant (also known as c.1007G>A), located in coding exon 8 of the ABCA1 gene, results from a G to A substitution at nucleotide position 1007. The glycine at codon 336 is replaced by aspartic acid, an amino acid with similar properties. This amino acid position is conserved. In addition, the in silico prediction for this alteration is inconclusive. Based on the available evidence, the clinical significance of this variant remains unclear.

NM_005502.4(ABCA1):c.1007G>A (p.Gly336Asp)

Gene: ABCA1 (ATP binding cassette subfamily A member 1; minus strand). Cytogenetic location: 9q31.1.
Variant type: single nucleotide variant.
Coding change: c.1007G>A on transcript NM_005502.4 (MANE Select); coding-DNA position 1007, G replaced by A.
Protein change: p.Gly336Asp; replaces glycine 336 with aspartic acid.
Molecular consequence: missense variant.
Genome position (GRCh38, 1-based): chr9:104,840,326, C>T on the plus strand (G>A on the coding strand, the complement: ABCA1 is on the minus strand). VCF-style: chr9-104840326-C-T. GRCh37 (hg19) VCF-style: chr9-107602607-C-T.
Other names: short protein forms G336D.
Identifiers: ClinVar variation 4234630 (VCV004234630.1).